The following is an entry in ClinVar:

ClinVar aggregate classification (germline): Likely benign (0 of 4 stars; one submission).

Conditions:
SIX5-related disorder. Also called: SIX5-related condition.

Submission:

PreventionGenetics, part of Exact Sciences
Classification: Likely benign for SIX5-related condition. Last evaluated: 2020-03-05. Review status: no assertion criteria provided. Collection method: clinical testing. Allele origin: germline.
Comment: This variant is classified as likely benign based on ACMG/AMP sequence variant interpretation guidelines (Richards et al. 2015 PMID: 25741868, with internal and published modifications).

NM_175875.5(SIX5):c.306C>T (p.Gly102=)

Genes: DM1-AS (DM1 locus antisense RNA; plus strand), SIX5 (SIX homeobox 5; minus strand), LOC107075317 (origin of replication in DMPK trinucleotide repeat region; plus strand). Cytogenetic location: 19q13.32.
Variant type: single nucleotide variant.
Coding change: c.306C>T on transcript NM_175875.5 (MANE Select); coding-DNA position 306, C replaced by T.
Protein change: p.Gly102=; no amino-acid change (glycine 102 retained).
Molecular consequence: synonymous variant.
Genome position (GRCh38, 1-based): chr19:45,768,539, G>A on the plus strand (C>T on the coding strand, the complement: SIX5 is on the minus strand). VCF-style: chr19-45768539-G-A. GRCh37 (hg19) VCF-style: chr19-46271797-G-A.
Identifiers: ClinVar variation 3345090 (VCV003345090.1).
Genomic context (GRCh38, chr19:45,768,539, plus strand): 5'-GCCACGTAGGCGCTCGGCCGGGGGCAGTGCGCCCAGGAAGCGGCTCAAGCGGCCGGCGTG[G>A]CCCGCCTGGAGCAGCGCCTCGCAGACGCACGCCACCTGCTCGGGCGAGAAGCGGAGGCCC-3'
Protein context (NP_787071.3, residues 92-112): ACVCEALLQA[Gly102=]HAGRLSRFLG